The following is an entry in ClinVar:

NM_001032283.3(TMPO):c.364G>A (p.Asp122Asn)

Gene: TMPO (thymopoietin; plus strand). Cytogenetic location: 12q23.1.
Variant type: single nucleotide variant.
Coding change: c.364G>A on transcript NM_001032283.3 (MANE Select); coding-DNA position 364, G replaced by A.
Protein change: p.Asp122Asn; replaces aspartic acid 122 with asparagine.
Molecular consequence: missense variant.
Genome position (GRCh38, 1-based): chr12:98,527,970, G>A. VCF-style: chr12-98527970-G-A. GRCh37 (hg19) VCF-style: chr12-98921748-G-A.
Other names: c.364G>A, p.Asp122Asn (NM_001032284.3, NM_001307975.2, NM_003276.2); short protein forms D122N.
Identifiers: ClinVar variation 4715246 (VCV004715246.1).

ClinVar aggregate classification (germline): Uncertain significance (1 of 4 stars; one submission).

Conditions:
Loeys-Dietz syndrome 2 (LDS2). Also called: Marfan syndrome, type 2 (formerly); AORTIC ANEURYSM, FAMILIAL THORACIC 3; MARFAN SYNDROME, TYPE II; TGFBR2-Related Loeys-Dietz Syndrome; Marfan Syndrome type 2; Marfan like connective tissue disorder. Identifiers: Orphanet 284973, Orphanet 558, MedGen C2674574, MONDO:0012427, OMIM 610168.

Submission:

Labcorp Genetics (formerly Invitae), Labcorp
Classification: Uncertain significance for Loeys-Dietz syndrome 2. Last evaluated: 2025-04-27. Review status: criteria provided, single submitter. Criteria: Invitae Variant Classification Sherloc (09022015). Collection method: clinical testing. Allele origin: germline.
Comment: This sequence change replaces aspartic acid, which is acidic and polar, with asparagine, which is neutral and polar, at codon 122 of the TMPO protein (p.Asp122Asn). This variant is not present in population databases (gnomAD no frequency). This variant has not been reported in the literature in individuals affected with TMPO-related conditions. An algorithm developed to predict the effect of missense changes on protein structure and function (PolyPhen-2) suggests that this variant is likely to be tolerated. In summary, the available evidence is currently insufficient to determine the role of this variant in disease. Therefore, it has been classified as a Variant of Uncertain Significance.